The following is an entry in ClinVar:

ClinVar aggregate classification (germline): Uncertain significance (1 of 4 stars; one submission).

Conditions:
Rhabdoid tumor predisposition syndrome 2 (RTPS2). Identifiers: Orphanet 231108, Orphanet 69077, MedGen C2750074, MONDO:0013224, OMIM 613325.

Submission:

Labcorp Genetics (formerly Invitae), Labcorp
Classification: Uncertain significance for Rhabdoid tumor predisposition syndrome 2. Last evaluated: 2023-10-08. Review status: criteria provided, single submitter. Criteria: Invitae Variant Classification Sherloc (09022015). Collection method: clinical testing. Allele origin: germline.
Comment: This sequence change replaces valine, which is neutral and non-polar, with glutamic acid, which is acidic and polar, at codon 1592 of the SMARCA4 protein (p.Val1592Glu). This variant is not present in population databases (gnomAD no frequency). This variant has not been reported in the literature in individuals affected with SMARCA4-related conditions. Advanced modeling of protein sequence and biophysical properties (such as structural, functional, and spatial information, amino acid conservation, physicochemical variation, residue mobility, and thermodynamic stability) performed at Invitae indicates that this missense variant is not expected to disrupt SMARCA4 protein function. In summary, the available evidence is currently insufficient to determine the role of this variant in disease. Therefore, it has been classified as a Variant of Uncertain Significance.

NM_003072.5(SMARCA4):c.4679T>A (p.Val1560Glu)

Gene: SMARCA4 (SWI/SNF related BAF chromatin remodeling complex subunit ATPase 4; plus strand). Cytogenetic location: 19p13.2.
Variant type: single nucleotide variant.
Coding change: c.4679T>A on transcript NM_003072.5 (MANE Select); coding-DNA position 4679, T replaced by A.
Protein change: p.Val1560Glu; replaces valine 1560 with glutamic acid.
Molecular consequence: missense variant. On other transcripts: non-coding transcript variant (1).
Genome position (GRCh38, 1-based): chr19:11,059,796, T>A. VCF-style: chr19-11059796-T-A. GRCh37 (hg19) VCF-style: chr19-11170472-T-A.
Other names: c.4679T>A, p.Val1560Glu (NM_001128844.3); c.4589T>A, p.Val1530Glu (NM_001128845.2); c.4586T>A, p.Val1529Glu (NM_001128846.2); c.4580T>A, p.Val1527Glu (NM_001128847.4, NM_001374457.1); c.4577T>A, p.Val1526Glu (NM_001128848.2); c.4775T>A, p.Val1592Glu (NM_001128849.3, NM_001387283.1); c.4676T>A, p.Val1559Glu (NM_001411150.1); short protein forms V1526E, V1527E, V1560E, V1592E, V1530E, V1529E, V1559E.
Identifiers: ClinVar variation 2766813 (VCV002766813.3), dbSNP rs2147114025, ClinGen allele CA404079321.